The following is an entry in ClinVar:

ClinVar aggregate classification (germline): Pathogenic (1 of 4 stars; one submission).

Conditions:
Merosin deficient congenital muscular dystrophy (MDC1A). Also called: Congenital merosin-deficient muscular dystrophy 1A; Congenital Muscular Dystrophy Type 1A (MDC1A). Identifiers: Orphanet 258, MedGen C1263858, MONDO:0011925, OMIM 607855.

Submission:

Baylor Genetics
Classification: Pathogenic for Merosin deficient congenital muscular dystrophy. Last evaluated: 2018-02-23. Review status: criteria provided, single submitter. Criteria: ACMG Guidelines, 2015. Collection method: clinical testing. Allele origin: paternal. Affected: yes.
Comment: This variant was determined to be pathogenic according to ACMG Guidelines, 2015 [PMID:25741868].

NM_000426.4(LAMA2):c.3186C>A (p.Cys1062Ter)

Gene: LAMA2 (laminin subunit alpha 2; plus strand). Cytogenetic location: 6q22.33.
Variant type: single nucleotide variant.
Coding change: c.3186C>A on transcript NM_000426.4 (MANE Select); coding-DNA position 3186, C replaced by A.
Protein change: p.Cys1062Ter; replaces cysteine 1062 with a stop codon.
Molecular consequence: nonsense.
Genome position (GRCh38, 1-based): chr6:129,312,872, C>A. VCF-style: chr6-129312872-C-A. GRCh37 (hg19) VCF-style: chr6-129634017-C-A.
Other names: c.3186C>A, p.Cys1062Ter (NM_001079823.2); short protein forms C1062*.
Identifiers: ClinVar variation 1031567 (VCV001031567.1), dbSNP rs1774316033, ClinGen allele CA365611650.
Genomic context (GRCh38, chr6:129,312,872, plus strand): 5'-ATTTCCCATAAAGTTGTGTTAATGGTTGCTGTTTTTATCTCCTCTATAGGCTTGTAACTG[C>A]AGCACAGTGGGATCCTTGGATTTCCAATGCAATGTAAATACAGGCCAATGCAACTGTCAT-3'